The following is an entry in ClinVar:

NM_006206.6(PDGFRA):c.2534A>G (p.His845Arg)

Gene: PDGFRA (platelet derived growth factor receptor alpha; plus strand). Cytogenetic location: 4q12.
Variant type: single nucleotide variant.
Coding change: c.2534A>G on transcript NM_006206.6 (MANE Select); coding-DNA position 2534, A replaced by G.
Protein change: p.His845Arg; replaces histidine 845 with arginine.
Molecular consequence: missense variant.
Genome position (GRCh38, 1-based): chr4:54,285,935, A>G. VCF-style: chr4-54285935-A-G. GRCh37 (hg19) VCF-style: chr4-55152102-A-G.
Other names: c.2609A>G, p.His870Arg (NM_001347828.2); c.2534A>G, p.His845Arg (NM_001347829.2); c.2573A>G, p.His858Arg (NM_001347830.2); short protein forms H845R, H858R, H870R.
Identifiers: ClinVar variation 407395 (VCV000407395.13), dbSNP rs777679907, ClinGen allele CA2922882.

ClinVar aggregate classification (germline): Conflicting classifications of pathogenicity. Review status: criteria provided, conflicting classifications (1 of 4 stars). 3 submissions from 3 submitters: Uncertain significance (2); Likely benign (1). Last evaluated 2025-05-30.

Conditions:
Polyps, multiple and recurrent inflammatory fibroid, gastrointestinal. Identifiers: MedGen C5193005, MONDO:0008285, OMIM 175510.
Hereditary cancer-predisposing syndrome. Also called: Neoplastic Syndromes, Hereditary; Hereditary Cancer Syndrome; Hereditary neoplastic syndrome; Tumor predisposition. Identifiers: Orphanet 140162, MedGen C0027672, MeSH D009386, MONDO:0015356.
Gastrointestinal stromal tumor. Also called: Gastrointestinal stromal tumor, somatic; Gastrointestinal stroma tumor. Identifiers: Orphanet 44890, MedGen C0238198, MeSH D046152, MONDO:0011719, OMIM 606764, HP:0100723.

Allele frequency attached by ClinVar (database versions not stated): gnomAD exomes below 0.00001 and 0.00002; ExAC 0.00002; gnomAD 0.00002; TOPMed 0.00002.
gnomAD v4.1: 5 of 1,614,048 alleles (0.00031%); highest among the groups gnomAD compares: African/African-American, 0.004%; no homozygotes.

Submissions (3):

Labcorp Genetics (formerly Invitae), Labcorp
Classification: Uncertain significance for Gastrointestinal stromal tumor. Last evaluated: 2025-05-30. Review status: criteria provided, single submitter. Criteria: Invitae Variant Classification Sherloc (09022015). Collection method: clinical testing. Allele origin: germline.
Comment: This sequence change replaces histidine, which is basic and polar, with arginine, which is basic and polar, at codon 845 of the PDGFRA protein (p.His845Arg). This variant is present in population databases (rs777679907, gnomAD 0.02%). This variant has not been reported in the literature in individuals affected with PDGFRA-related conditions. ClinVar contains an entry for this variant (Variation ID: 407395). An algorithm developed to predict the effect of missense changes on protein structure and function (PolyPhen-2) suggests that this variant is likely to be disruptive. In summary, the available evidence is currently insufficient to determine the role of this variant in disease. Therefore, it has been classified as a Variant of Uncertain Significance.

Baylor Genetics
Classification: Uncertain significance for Polyps, multiple and recurrent inflammatory fibroid, gastrointestinal. Last evaluated: 2023-06-22. Review status: criteria provided, single submitter. Criteria: ACMG Guidelines, 2015. Collection method: clinical testing. Allele origin: unknown.

Ambry Genetics
Classification: Likely benign for Hereditary cancer-predisposing syndrome. Last evaluated: 2021-11-21. Review status: criteria provided, single submitter. Criteria: Ambry Variant Classification Scheme 2023. Collection method: clinical testing. Allele origin: germline.